The following is an entry in ClinVar:

NM_024782.3(NHEJ1):c.299T>C (p.Val100Ala)

Gene: NHEJ1 (non-homologous end joining factor 1; minus strand). Cytogenetic location: 2q35.
Variant type: single nucleotide variant.
Coding change: c.299T>C on transcript NM_024782.3 (MANE Select); coding-DNA position 299, T replaced by C.
Protein change: p.Val100Ala; replaces valine 100 with alanine.
Molecular consequence: missense variant. On other transcripts: non-coding transcript variant (1).
Genome position (GRCh38, 1-based): chr2:219,157,563, A>G on the plus strand (T>C on the coding strand, the complement: NHEJ1 is on the minus strand). VCF-style: chr2-219157563-A-G. GRCh37 (hg19) VCF-style: chr2-220022285-A-G.
Other names: c.299T>C, p.Val100Ala (NM_001377498.1, NM_001377499.1); short protein forms V100A.
Identifiers: ClinVar variation 435983 (VCV000435983.10), dbSNP rs201186145, ClinGen allele CA2117037.

ClinVar aggregate classification (germline): Uncertain significance. Review status: criteria provided, multiple submitters, no conflicts (2 of 4 stars). 3 submissions from 3 submitters: Uncertain significance (3). Last evaluated 2023-12-15.

Conditions:
Cernunnos-XLF deficiency (IMD124). Also called: NHEJ1 SYNDROME; SCID, AUTOSOMAL RECESSIVE, T CELL-NEGATIVE, B CELL-NEGATIVE, NK CELL-POSITIVE, WITH MICROCEPHALY, GROWTH RETARDATION, AND SENSITIVITY TO IONIZING RADIATION; Severe combined immunodeficiency with sensitivity to ionizing radiation due to NHEJ1 deficiency; SCID, autosomal recessive, T cell-negative, B cell-negative, NK cell-positive, and sensitivity to ionizing radiation due to NHEJ1 deficiency; IMMUNODEFICIENCY 124, SEVERE COMBINED. Identifiers: Orphanet 169079, MedGen C1969799, MONDO:0012650, OMIM 611291.
Inborn genetic diseases. Identifiers: MedGen C0950123, MeSH D030342.

Allele frequency attached by ClinVar (database versions not stated): gnomAD exomes 0.00002 and 0.00007; gnomAD 0.00004 and 0.00005; ExAC 0.00005; TOPMed 0.00006; 1000 Genomes Project 30x 0.00031; 1000 Genomes Project 0.00040.

Submissions (3):

Ambry Genetics
Classification: Uncertain significance for Inborn genetic diseases. Last evaluated: 2023-12-15. Review status: criteria provided, single submitter. Criteria: Ambry Variant Classification Scheme 2023. Collection method: clinical testing. Allele origin: germline.

Labcorp Genetics (formerly Invitae), Labcorp
Classification: Uncertain significance for Cernunnos-XLF deficiency. Last evaluated: 2022-10-03. Review status: criteria provided, single submitter. Criteria: Invitae Variant Classification Sherloc (09022015). Collection method: clinical testing. Allele origin: germline.
Comment: This sequence change replaces valine, which is neutral and non-polar, with alanine, which is neutral and non-polar, at codon 100 of the NHEJ1 protein (p.Val100Ala). This variant is present in population databases (rs201186145, gnomAD 0.08%). This variant has not been reported in the literature in individuals affected with NHEJ1-related conditions. ClinVar contains an entry for this variant (Variation ID: 435983). Advanced modeling of protein sequence and biophysical properties (such as structural, functional, and spatial information, amino acid conservation, physicochemical variation, residue mobility, and thermodynamic stability) performed at Invitae indicates that this missense variant is not expected to disrupt NHEJ1 protein function. In summary, the available evidence is currently insufficient to determine the role of this variant in disease. Therefore, it has been classified as a Variant of Uncertain Significance.

Genetic Services Laboratory, University of Chicago
Classification: Uncertain significance. Last evaluated: 2016-09-29. Review status: criteria provided, single submitter. Criteria: ACMG Guidelines, 2015. Collection method: clinical testing. Allele origin: germline. Affected: no.